The following is an entry in ClinVar:

NM_006231.4(POLE):c.3459+6G>C

Gene: POLE (DNA polymerase epsilon, catalytic subunit; minus strand). Cytogenetic location: 12q24.33.
Variant type: single nucleotide variant.
Coding change: c.3459+6G>C on transcript NM_006231.4 (MANE Select); 6 bases into the intron after coding-DNA position 3459, G replaced by C.
Molecular consequence: intron variant.
Genome position (GRCh38, 1-based): chr12:132,657,343, C>G on the plus strand (G>C on the coding strand, the complement: POLE is on the minus strand). VCF-style: chr12-132657343-C-G. GRCh37 (hg19) VCF-style: chr12-133233929-C-G.
Identifiers: ClinVar variation 2816662 (VCV002816662.3), dbSNP rs2042567237, ClinGen allele CA2575358798.

ClinVar aggregate classification (germline): Uncertain significance (1 of 4 stars; one submission).

Submission:

Labcorp Genetics (formerly Invitae), Labcorp
Classification: Uncertain significance. Last evaluated: 2023-02-15. Review status: criteria provided, single submitter. Criteria: Invitae Variant Classification Sherloc (09022015). Collection method: clinical testing. Allele origin: germline.
Comment: This sequence change falls in intron 28 of the POLE gene. It does not directly change the encoded amino acid sequence of the POLE protein. It affects a nucleotide within the consensus splice site. In summary, the available evidence is currently insufficient to determine the role of this variant in disease. Therefore, it has been classified as a Variant of Uncertain Significance. Variants that disrupt the consensus splice site are a relatively common cause of aberrant splicing (PMID: 17576681, 9536098). Algorithms developed to predict the effect of sequence changes on RNA splicing suggest that this variant is not likely to affect RNA splicing. This variant has not been reported in the literature in individuals affected with POLE-related conditions. This variant is not present in population databases (gnomAD no frequency).

Literature cited by the submitters: PubMed 17576681; PubMed 9536098.